The following is an entry in ClinVar:

ClinVar aggregate classification (germline): Uncertain significance. Review status: criteria provided, multiple submitters, no conflicts (2 of 4 stars). 3 submissions from 3 submitters: Uncertain significance (3). Last evaluated 2024-09-12.

Conditions:
Cardiovascular phenotype. Identifiers: MedGen CN230736.
Hereditary cancer-predisposing syndrome. Also called: Hereditary Cancer Syndrome; Hereditary neoplastic syndrome; Neoplastic Syndromes, Hereditary; Tumor predisposition. Identifiers: Orphanet 140162, MedGen C0027672, MeSH D009386, MONDO:0015356.

Allele frequency attached by ClinVar (database versions not stated): gnomAD exomes below 0.00001.

Submissions (3):

Labcorp Genetics (formerly Invitae), Labcorp
Classification: Uncertain significance. Last evaluated: 2024-09-12. Review status: criteria provided, single submitter. Criteria: Invitae Variant Classification Sherloc (09022015). Collection method: clinical testing. Allele origin: germline.
Comment: This sequence change replaces histidine, which is basic and polar, with tyrosine, which is neutral and polar, at codon 71 of the LZTR1 protein (p.His71Tyr). This variant is not present in population databases (gnomAD no frequency). This variant has not been reported in the literature in individuals affected with LZTR1-related conditions. ClinVar contains an entry for this variant (Variation ID: 1065163). Invitae Evidence Modeling of protein sequence and biophysical properties (such as structural, functional, and spatial information, amino acid conservation, physicochemical variation, residue mobility, and thermodynamic stability) indicates that this missense variant is not expected to disrupt LZTR1 protein function with a negative predictive value of 80%. In summary, the available evidence is currently insufficient to determine the role of this variant in disease. Therefore, it has been classified as a Variant of Uncertain Significance.

Ambry Genetics
Classification: Uncertain significance for Cardiovascular phenotype; Hereditary cancer-predisposing syndrome. Last evaluated: 2024-01-21. Review status: criteria provided, single submitter. Criteria: Ambry Variant Classification Scheme 2023. Collection method: clinical testing. Allele origin: germline.
Comment: The p.H71Y variant (also known as c.211C>T), located in coding exon 2 of the LZTR1 gene, results from a C to T substitution at nucleotide position 211. The histidine at codon 71 is replaced by tyrosine, an amino acid with similar properties. This amino acid position is conserved. In addition, this alteration is predicted to be deleterious by in silico analysis. Based on the available evidence, the clinical significance of this alteration remains unclear.

Women's Health and Genetics/Laboratory Corporation of America, LabCorp
Classification: Uncertain significance. Last evaluated: 2021-04-15. Review status: criteria provided, single submitter. Criteria: LabCorp Variant Classification Summary - May 2015. Collection method: clinical testing. Allele origin: germline.
Comment: Variant summary: LZTR1 c.211C>T (p.His71Tyr) results in a conservative amino acid change in the encoded protein sequence. Three of five in-silico tools predict a damaging effect of the variant on protein function. The variant was absent in 251476 control chromosomes (gnomAD). The available data on variant occurrences in the general population are insufficient to allow any conclusion about variant significance. To our knowledge, no occurrence of c.211C>T in individuals affected with Noonan Syndrome and no experimental evidence demonstrating its impact on protein function have been reported. No clinical diagnostic laboratories have submitted clinical-significance assessments for this variant to ClinVar after 2014. Based on the evidence outlined above, the variant was classified as uncertain significance.

NM_006767.4(LZTR1):c.211C>T (p.His71Tyr)

Gene: LZTR1 (leucine zipper like post translational regulator 1; plus strand). Cytogenetic location: 22q11.21.
Variant type: single nucleotide variant.
Coding change: c.211C>T on transcript NM_006767.4 (MANE Select); coding-DNA position 211, C replaced by T.
Protein change: p.His71Tyr; replaces histidine 71 with tyrosine.
Molecular consequence: missense variant.
Genome position (GRCh38, 1-based): chr22:20,983,037, C>T. VCF-style: chr22-20983037-C-T. GRCh37 (hg19) VCF-style: chr22-21337326-C-T.
Other names: short protein forms H71Y.
Identifiers: ClinVar variation 1065163 (VCV001065163.5), dbSNP rs1438837277, ClinGen allele CA410778278.